The following is an entry in ClinVar:

ClinVar aggregate classification (germline): Pathogenic. Review status: reviewed by expert panel (3 of 4 stars). 2 submissions from 2 submitters: Pathogenic (1). 1 of the submissions does not count toward it. Last evaluated 2016-09-08.

Conditions:
Hereditary breast ovarian cancer syndrome. Also called: Hereditary breast and/or ovarian cancer syndrome; BRCA1- and BRCA2-Associated Hereditary Breast and Ovarian Cancer; Hereditary breast and ovarian cancer; Hereditary breast and ovarian cancer syndrome (HBOC); Breast and ovarian cancer; Hereditary breast and ovarian cancer syndrome. Identifiers: Orphanet 145, MedGen C0677776, MeSH D061325, MONDO:0003582. Disease mechanism: loss of function.
Breast-ovarian cancer, familial, susceptibility to, 2 (BROVCA2). Also called: BRCA2 Hereditary Breast and Ovarian Cancer. Identifiers: Orphanet 145, MedGen C2675520, MONDO:0012933, OMIM 612555. Disease mechanism: loss of function.

Submissions (2):

Evidence-based Network for the Interpretation of Germline Mutant Alleles (ENIGMA)
Classification: Pathogenic for Breast-ovarian cancer, familial, susceptibility to, 2. Last evaluated: 2016-09-08. Review status: reviewed by expert panel. Criteria: ENIGMA BRCA1/2 Classification Criteria (2015). Collection method: curation. Allele origin: germline.
Comment: Variant allele predicted to encode a truncated non-functional protein.

Labcorp Genetics (formerly Invitae), Labcorp
Classification: Pathogenic for Hereditary breast ovarian cancer syndrome. Last evaluated: 2017-10-04. Review status: criteria provided, single submitter. Criteria: Invitae Variant Classification Sherloc (09022015). Collection method: clinical testing. Allele origin: germline. Not counted in ClinVar's aggregate classification.
Comment: This sequence change creates a premature translational stop signal (p.Ala1393Argfs*17) in the BRCA2 gene. It is expected to result in an absent or disrupted protein product. This variant is not present in population databases (ExAC no frequency). This variant has not been reported in the literature in individuals with BRCA2-related disease. ClinVar contains an entry for this variant (Variation ID: 216853). Loss-of-function variants in BRCA2 are known to be pathogenic (PMID: 20104584). For these reasons, this variant has been classified as Pathogenic.

Literature cited by the submitters: PubMed 20104584 (cited by Labcorp Genetics (formerly Invitae), Labcorp).

NM_000059.4(BRCA2):c.4176del (p.Ala1393fs)

Gene: BRCA2 (BRCA2 DNA repair associated; plus strand). Cytogenetic location: 13q13.1.
Variant type: Deletion.
Coding change: c.4176del on transcript NM_000059.4 (MANE Select); coding-DNA position 4176, one base deleted (T; older notation c.4176delT).
Protein change: p.Ala1393fs; shifts the reading frame from alanine 1393.
Molecular consequence: frameshift variant.
Genome position (GRCh38, 1-based): chr13:32,338,531, T deleted; the last of 2 consecutive T bases (chr13:32,338,530-32,338,531); deleting either gives the same sequence. VCF-style (leftmost placement, unchanged base first): chr13-32338529-GT-G. GRCh37 (hg19) VCF-style: chr13-32912666-GT-G.
Other names: c.4176delT (NM_000059.3); short protein forms A1393fs.
Identifiers: ClinVar variation 216853 (VCV000216853.8), dbSNP rs863224825, ClinGen allele CA335700.